The following is an entry in ClinVar:

NM_002361.4(MAG):c.1568T>C (p.Phe523Ser)

Gene: MAG (myelin associated glycoprotein; plus strand). Cytogenetic location: 19q13.12.
Variant type: single nucleotide variant.
Coding change: c.1568T>C on transcript NM_002361.4 (MANE Select); coding-DNA position 1568, T replaced by C.
Protein change: p.Phe523Ser; replaces phenylalanine 523 with serine.
Molecular consequence: missense variant.
Genome position (GRCh38, 1-based): chr19:35,310,595, T>C. VCF-style: chr19-35310595-T-C. GRCh37 (hg19) VCF-style: chr19-35801498-T-C.
Other names: c.1493T>C, p.Phe498Ser (NM_001199216.2); c.1568T>C, p.Phe523Ser (NM_080600.3); short protein forms F523S, F498S.
Identifiers: ClinVar variation 2099989 (VCV002099989.4), dbSNP rs2513601278, ClinGen allele CA405316838.
Genomic context (GRCh38, chr19:35,310,595, plus strand): 5'-TTCTGTCCTCAGATCGACTGATGTGGGCCAAGATCGGGCCTGTGGGCGCCGTGGTCGCCT[T>C]TGCCATCCTGATTGCCATCGTCTGCTACATTACCCAGACACGCAGGAAGTGAGTGCCAGC-3'
Protein context (NP_002352.1, residues 513-533): KIGPVGAVVA[Phe523Ser]AILIAIVCYI

ClinVar aggregate classification (germline): Uncertain significance (1 of 4 stars; one submission).

Conditions:
Hereditary spastic paraplegia 75. Also called: Spastic paraplegia 75, autosomal recessive. Identifiers: Orphanet 459056, MedGen C4225250, MONDO:0014729, OMIM 616680.

Submission:

Labcorp Genetics (formerly Invitae), Labcorp
Classification: Uncertain significance for Hereditary spastic paraplegia 75. Last evaluated: 2022-10-13. Review status: criteria provided, single submitter. Criteria: Invitae Variant Classification Sherloc (09022015). Collection method: clinical testing. Allele origin: germline.
Comment: This sequence change replaces phenylalanine, which is neutral and non-polar, with serine, which is neutral and polar, at codon 523 of the MAG protein (p.Phe523Ser). This variant is not present in population databases (gnomAD no frequency). This variant has not been reported in the literature in individuals affected with MAG-related conditions. Advanced modeling of protein sequence and biophysical properties (such as structural, functional, and spatial information, amino acid conservation, physicochemical variation, residue mobility, and thermodynamic stability) performed at Invitae indicates that this missense variant is not expected to disrupt MAG protein function. In summary, the available evidence is currently insufficient to determine the role of this variant in disease. Therefore, it has been classified as a Variant of Uncertain Significance.